The following is an entry in ClinVar:

NM_002282.3(KRT83):c.1423C>T (p.Pro475Ser)

Gene: KRT83 (keratin 83; minus strand). Cytogenetic location: 12q13.13.
Variant type: single nucleotide variant.
Coding change: c.1423C>T on transcript NM_002282.3 (MANE Select); coding-DNA position 1423, C replaced by T.
Protein change: p.Pro475Ser; replaces proline 475 with serine.
Molecular consequence: missense variant.
Genome position (GRCh38, 1-based): chr12:52,314,690, G>A on the plus strand (C>T on the coding strand, the complement: KRT83 is on the minus strand). VCF-style: chr12-52314690-G-A. GRCh37 (hg19) VCF-style: chr12-52708474-G-A.
Other names: short protein forms P475S.
Identifiers: ClinVar variation 309495 (VCV000309495.10), dbSNP rs200232339, ClinGen allele CA6577252.

ClinVar aggregate classification (germline): Conflicting classifications of pathogenicity. Review status: criteria provided, conflicting classifications (1 of 4 stars). 4 submissions from 4 submitters: Uncertain significance (2); Benign (2). Last evaluated 2025-11-26.

Conditions:
Monilethrix. Also called: Beaded hair. Identifiers: Orphanet 573, MedGen C0546966, MONDO:0008009, HP:0032470.

Allele frequency attached by ClinVar (database versions not stated): gnomAD exomes 0.00004; ExAC 0.00007; ESP Exome Variant Server 0.00008; gnomAD 0.00009; TOPMed 0.00012; 1000 Genomes Project 30x 0.00031; 1000 Genomes Project 0.00040.
gnomAD v4.1: 62 of 1,583,906 alleles (0.0039%); highest among the groups gnomAD compares: African/African-American, 0.052%; 1 homozygote.

Submissions (4):

Ambry Genetics
Classification: Uncertain significance. Last evaluated: 2025-11-26. Review status: criteria provided, single submitter. Criteria: Ambry Variant Classification Scheme 2023. Collection method: clinical testing. Allele origin: germline.

Labcorp Genetics (formerly Invitae), Labcorp
Classification: Uncertain significance. Last evaluated: 2023-10-14. Review status: criteria provided, single submitter. Criteria: Invitae Variant Classification Sherloc (09022015). Collection method: clinical testing. Allele origin: germline.
Comment: This sequence change replaces proline, which is neutral and non-polar, with serine, which is neutral and polar, at codon 475 of the KRT83 protein (p.Pro475Ser). This variant is present in population databases (rs200232339, gnomAD 0.04%), and has an allele count higher than expected for a pathogenic variant. This variant has not been reported in the literature in individuals affected with KRT83-related conditions. ClinVar contains an entry for this variant (Variation ID: 309495). An algorithm developed to predict the effect of missense changes on protein structure and function (PolyPhen-2) suggests that this variant is likely to be tolerated. In summary, the available evidence is currently insufficient to determine the role of this variant in disease. Therefore, it has been classified as a Variant of Uncertain Significance.

Illumina Laboratory Services, Illumina
Classification: Benign for Monilethrix-1. Last evaluated: 2018-01-13. Review status: criteria provided, single submitter. Criteria: ICSL Variant Classification Criteria 13 December 2019. Collection method: clinical testing. Allele origin: germline.
Comment: This variant was observed in the ICSL laboratory as part of a predisposition screen in an ostensibly healthy population. It had not been previously curated by ICSL or reported in the Human Gene Mutation Database (HGMD: prior to June 1st, 2018), and was therefore a candidate for classification through an automated scoring system. Utilizing variant allele frequency, disease prevalence and penetrance estimates, and inheritance mode, an automated score was calculated to assess if this variant is too frequent to cause the disease. Based on the score and internal cut-off values, a variant classified as benign is not then subjected to further curation. The score for this variant resulted in a classification of benign for this disease.

Breakthrough Genomics
Classification: Benign. Review status: criteria provided, single submitter. Criteria: ACMG Guidelines, 2015. Collection method: not provided. Allele origin: germline. Inheritance: Autosomal recessive inheritance. Affected: yes.